The following is an entry in ClinVar:

ClinVar aggregate classification (germline): Uncertain significance. Review status: criteria provided, multiple submitters, no conflicts (2 of 4 stars). 3 submissions from 3 submitters: Uncertain significance (3). Last evaluated 2025-04-09.

Conditions:
Cardiovascular phenotype. Identifiers: MedGen CN230736.
Arrhythmogenic right ventricular cardiomyopathy (ARVD). Also called: Cardiomyopathy, ARVC; Arrhythmogenic right ventricular dysplasia; Arrhythmogenic cardiomyopathy; Arrhythmogenic Right Ventricular Cardiomyopathy (ARVC). Identifiers: Orphanet 247, MedGen C0349788, MeSH D019571, MONDO:0016587. Disease mechanism: loss of function. Inheritance: Various modes of inheritance.
Arrhythmogenic right ventricular dysplasia 10. Also called: Arrhythmogenic right ventricular dysplasia/cardiomyopathy, type 10; Arrhythmogenic Right Ventricular Dysplasia/Cardiomyopathy10; ARRHYTHMOGENIC RIGHT VENTRICULAR DYSPLASIA, FAMILIAL, 10. Identifiers: MedGen C1857777, MONDO:0012434, OMIM 610193.

Allele frequency attached by ClinVar (database versions not stated): TOPMed below 0.00001.

Submissions (3):

Molecular Diagnostic Laboratory for Inherited Cardiovascular Disease, Montreal Heart Institute
Classification: Uncertain significance for Cardiovascular phenotype. Last evaluated: 2025-04-09. Review status: criteria provided, single submitter. Criteria: ACMG Guidelines, 2015. Collection method: clinical testing. Allele origin: germline. Affected: yes.
Comment: PM2;BP5

Labcorp Genetics (formerly Invitae), Labcorp
Classification: Uncertain significance for Arrhythmogenic right ventricular dysplasia 10. Last evaluated: 2024-09-12. Review status: criteria provided, single submitter. Criteria: Invitae Variant Classification Sherloc (09022015). Collection method: clinical testing. Allele origin: germline.
Comment: This sequence change replaces valine, which is neutral and non-polar, with methionine, which is neutral and non-polar, at codon 1016 of the DSG2 protein (p.Val1016Met). This variant is not present in population databases (gnomAD no frequency). This variant has not been reported in the literature in individuals affected with DSG2-related conditions. ClinVar contains an entry for this variant (Variation ID: 1504884). Invitae Evidence Modeling of protein sequence and biophysical properties (such as structural, functional, and spatial information, amino acid conservation, physicochemical variation, residue mobility, and thermodynamic stability) indicates that this missense variant is not expected to disrupt DSG2 protein function with a negative predictive value of 95%. In summary, the available evidence is currently insufficient to determine the role of this variant in disease. Therefore, it has been classified as a Variant of Uncertain Significance.

All of Us Research Program, National Institutes of Health
Classification: Uncertain significance for Arrhythmogenic right ventricular cardiomyopathy. Last evaluated: 2023-06-08. Review status: criteria provided, single submitter. Criteria: ACMG Guidelines, 2015. Collection method: clinical testing. Allele origin: germline. Inheritance: Autosomal dominant inheritance. Observed: 1 variant allele, 1 heterozygote.
Comment: This missense variant replaces valine with methionine at codon 1016 of the DSG2 protein. Computational prediction is inconclusive regarding the impact of this variant on protein structure and function (internally defined REVEL score threshold 0.5 < inconclusive < 0.7, PMID: 27666373). To our knowledge, functional studies have not been reported for this variant. This variant has not been reported in individuals affected with DSG2-related disorders in the literature. This variant has not been identified in the general population by the Genome Aggregation Database (gnomAD). The available evidence is insufficient to determine the role of this variant in disease conclusively. Therefore, this variant is classified as a Variant of Uncertain Significance.

This study involves interpretation of variants in research participants for the purpose of population health screening. Participant phenotype was not available at the time of variant classification. Additional details can be found in publication PMID: 35346344, PMCID: PMC8962531

NM_001943.5(DSG2):c.3046G>A (p.Val1016Met)

Genes: DSG2-AS1 (DSG2 antisense RNA 1; minus strand), DSG2 (desmoglein 2; plus strand). Cytogenetic location: 18q12.1.
Variant type: single nucleotide variant.
Coding change: c.3046G>A on transcript NM_001943.5 (MANE Select); coding-DNA position 3046, G replaced by A.
Protein change: p.Val1016Met; replaces valine 1016 with methionine.
Molecular consequence: missense variant.
Genome position (GRCh38, 1-based): chr18:31,546,432, G>A. VCF-style: chr18-31546432-G-A. GRCh37 (hg19) VCF-style: chr18-29126395-G-A.
Other names: c.3046G>A (NM_001943.4); short protein forms V1016M.
Identifiers: ClinVar variation 1504884 (VCV001504884.8), dbSNP rs2073311048, ClinGen allele CA402148045.